The following is an entry in ClinVar:

ClinVar aggregate classification (germline): Uncertain significance. Review status: criteria provided, multiple submitters, no conflicts (2 of 4 stars). 2 submissions from 2 submitters: Uncertain significance (2). Last evaluated 2026-03-02.

Conditions:
TAB2-related disorder.

gnomAD v4.1: 6 of 1,613,854 alleles (0.00037%); highest among the groups gnomAD compares: Non-Finnish European, 0.00051%; no homozygotes.

Submissions (2):

PreventionGenetics, part of Exact Sciences
Classification: Uncertain significance for TAB2-related condition. Last evaluated: 2026-03-02. Review status: criteria provided, single submitter. Criteria: ACMG Guidelines, 2015. Collection method: clinical testing. Allele origin: germline.
Comment: The TAB2 c.1727G>A variant is predicted to result in the amino acid substitution p.Arg576His. To our knowledge, this variant has not been reported in the literature. This variant is reported in 0.00088% of alleles in individuals of European (Non-Finnish) descent in gnomAD. At this time, the clinical significance of this variant is uncertain due to the absence of conclusive functional and genetic evidence.

Labcorp Genetics (formerly Invitae), Labcorp
Classification: Uncertain significance. Last evaluated: 2025-02-15. Review status: criteria provided, single submitter. Criteria: Invitae Variant Classification Sherloc (09022015). Collection method: clinical testing. Allele origin: germline.
Comment: This sequence change replaces arginine, which is basic and polar, with histidine, which is basic and polar, at codon 576 of the TAB2 protein (p.Arg576His). This variant is present in population databases (no rsID available, gnomAD 0.0009%). This variant has not been reported in the literature in individuals affected with TAB2-related conditions. Invitae Evidence Modeling of protein sequence and biophysical properties (such as structural, functional, and spatial information, amino acid conservation, physicochemical variation, residue mobility, and thermodynamic stability) indicates that this missense variant is expected to disrupt TAB2 protein function with a positive predictive value of 80%. In summary, the available evidence is currently insufficient to determine the role of this variant in disease. Therefore, it has been classified as a Variant of Uncertain Significance.

NM_001292034.3(TAB2):c.1727G>A (p.Arg576His)

Gene: TAB2 (TGF-beta activated kinase 1 (MAP3K7) binding protein 2; plus strand). Cytogenetic location: 6q25.1.
Variant type: single nucleotide variant.
Coding change: c.1727G>A on transcript NM_001292034.3 (MANE Select); coding-DNA position 1727, G replaced by A.
Protein change: p.Arg576His; replaces arginine 576 with histidine.
Molecular consequence: missense variant.
Genome position (GRCh38, 1-based): chr6:149,397,727, G>A. VCF-style: chr6-149397727-G-A. GRCh37 (hg19) VCF-style: chr6-149718863-G-A.
Other names: c.1631G>A, p.Arg544His (NM_001292035.3); c.1727G>A, p.Arg576His (NM_001369506.1, NM_015093.6); c.1727G>A (NM_015093.5); short protein forms R544H, R576H.
Identifiers: ClinVar variation 3617149 (VCV003617149.3).